The following is an entry in ClinVar:

NM_016239.4(MYO15A):c.104G>C (p.Arg35Pro)

Gene: MYO15A (myosin XVA; plus strand). Cytogenetic location: 17p11.2.
Variant type: single nucleotide variant.
Coding change: c.104G>C on transcript NM_016239.4 (MANE Select); coding-DNA position 104, G replaced by C.
Protein change: p.Arg35Pro; replaces arginine 35 with proline.
Molecular consequence: missense variant.
Genome position (GRCh38, 1-based): chr17:18,118,904, G>C. VCF-style: chr17-18118904-G-C. GRCh37 (hg19) VCF-style: chr17-18022218-G-C.
Other names: short protein forms R35P.
Identifiers: ClinVar variation 1490617 (VCV001490617.7), dbSNP rs765495851, ClinGen allele CA398589421.

ClinVar aggregate classification (germline): Uncertain significance (1 of 4 stars; one submission).

Submission:

Labcorp Genetics (formerly Invitae), Labcorp
Classification: Uncertain significance. Last evaluated: 2024-05-20. Review status: criteria provided, single submitter. Criteria: Invitae Variant Classification Sherloc (09022015). Collection method: clinical testing. Allele origin: germline.
Comment: This sequence change replaces arginine, which is basic and polar, with proline, which is neutral and non-polar, at codon 35 of the MYO15A protein (p.Arg35Pro). This variant is not present in population databases (gnomAD no frequency). This variant has not been reported in the literature in individuals affected with MYO15A-related conditions. ClinVar contains an entry for this variant (Variation ID: 1490617). Advanced modeling of protein sequence and biophysical properties (such as structural, functional, and spatial information, amino acid conservation, physicochemical variation, residue mobility, and thermodynamic stability) performed at Invitae indicates that this missense variant is not expected to disrupt MYO15A protein function with a negative predictive value of 95%. In summary, the available evidence is currently insufficient to determine the role of this variant in disease. Therefore, it has been classified as a Variant of Uncertain Significance.